The following is an entry in ClinVar:

NM_032578.4(MYPN):c.1838C>T (p.Ser613Phe)

Gene: MYPN (myopalladin; plus strand). Cytogenetic location: 10q21.3.
Variant type: single nucleotide variant.
Coding change: c.1838C>T on transcript NM_032578.4 (MANE Select); coding-DNA position 1838, C replaced by T.
Protein change: p.Ser613Phe; replaces serine 613 with phenylalanine.
Molecular consequence: missense variant. On other transcripts: non-coding transcript variant (2).
Genome position (GRCh38, 1-based): chr10:68,166,531, C>T. VCF-style: chr10-68166531-C-T. GRCh37 (hg19) VCF-style: chr10-69926288-C-T.
Other names: p.Ser613Phe; c.1838C>T, p.Ser613Phe (NM_001256267.2); c.956C>T, p.Ser319Phe (NM_001256268.2); short protein forms S319F, S613F.
Identifiers: ClinVar variation 2683107 (VCV002683107.1), dbSNP rs2495736629, ClinGen allele CA376840419.

ClinVar aggregate classification (germline): Uncertain significance (1 of 4 stars; one submission).

Submission:

Mayo Clinic Laboratories, Mayo Clinic
Classification: Uncertain significance. Last evaluated: 2023-06-21. Review status: criteria provided, single submitter. Criteria: ACMG Guidelines, 2015. Collection method: clinical testing. Allele origin: germline. Observed: 1 variant allele.
Comment: BP4, PM2_supporting